The following is an entry in ClinVar:

ClinVar aggregate classification (germline): Conflicting classifications of pathogenicity. Review status: criteria provided, conflicting classifications (1 of 4 stars). 4 submissions from 4 submitters: Uncertain significance (2); Likely benign (1). 1 of the submissions does not count toward it. Last evaluated 2025-12-15.

Conditions:
DNAH9-related disorder. Also called: DNAH9-related condition.
Inborn genetic diseases. Identifiers: MedGen C0950123, MeSH D030342.

Allele frequency attached by ClinVar (database versions not stated): gnomAD exomes 0.00025; ExAC 0.00037; 1000 Genomes Project 0.00080; 1000 Genomes Project 30x 0.00094; TOPMed 0.00111; ESP Exome Variant Server 0.00146.
gnomAD v4.1: 267 of 1,613,876 alleles (0.017%); highest among the groups gnomAD compares: African/African-American, 0.33%; no homozygotes.

Submissions (4):

Labcorp Genetics (formerly Invitae), Labcorp
Classification: Likely benign. Last evaluated: 2025-12-15. Review status: criteria provided, single submitter. Criteria: Invitae Variant Classification Sherloc (09022015). Collection method: clinical testing. Allele origin: germline.

Blueprint Genetics
Classification: Uncertain significance. Last evaluated: 2024-06-28. Review status: criteria provided, single submitter. Criteria: ACMG Guidelines, 2015. Collection method: clinical testing. Allele origin: germline.

Ambry Genetics
Classification: Uncertain significance for Inborn genetic diseases. Last evaluated: 2021-06-18. Review status: criteria provided, single submitter. Criteria: Ambry Variant Classification Scheme 2023. Collection method: clinical testing. Allele origin: germline.

PreventionGenetics, part of Exact Sciences
Classification: Likely benign for DNAH9-related condition. Last evaluated: 2022-07-15. Review status: no assertion criteria provided. Collection method: clinical testing. Allele origin: germline. Not counted in ClinVar's aggregate classification.
Comment: This variant is classified as likely benign based on ACMG/AMP sequence variant interpretation guidelines (Richards et al. 2015 PMID: 25741868, with internal and published modifications).

NM_001372.4(DNAH9):c.8467C>A (p.Leu2823Met)

Gene: DNAH9 (dynein axonemal heavy chain 9; plus strand). Cytogenetic location: 17p12.
Variant type: single nucleotide variant.
Coding change: c.8467C>A on transcript NM_001372.4 (MANE Select); coding-DNA position 8467, C replaced by A.
Protein change: p.Leu2823Met; replaces leucine 2823 with methionine.
Molecular consequence: missense variant.
Genome position (GRCh38, 1-based): chr17:11,807,778, C>A. VCF-style: chr17-11807778-C-A. GRCh37 (hg19) VCF-style: chr17-11711095-C-A.
Other names: short protein forms L2823M.
Identifiers: ClinVar variation 733929 (VCV000733929.12), dbSNP rs61746582, ClinGen allele CA8396943.